The following is an entry in ClinVar:

ClinVar aggregate classification (germline): Likely benign (1 of 4 stars; one submission).

Conditions:
VPS8-related disorder. Also called: VPS8-related condition.

gnomAD v4.1: 5 of 1,611,358 alleles (0.00031%); highest among the groups gnomAD compares: African/African-American, 0.004%; no homozygotes.

Submission:

PreventionGenetics, part of Exact Sciences
Classification: Likely benign for VPS8-related condition. Last evaluated: 2026-08-13. Review status: criteria provided, single submitter. Criteria: ACMG Guidelines, 2015. Collection method: clinical testing. Allele origin: germline.
Comment: This variant is classified as likely benign based on ACMG/AMP sequence variant interpretation guidelines (Richards et al. 2015 PMID: 25741868, with internal and published modifications).

NM_001009921.3(VPS8):c.669C>T (p.Ile223=)

Gene: VPS8 (VPS8 subunit of CORVET complex; plus strand). Cytogenetic location: 3q27.2.
Variant type: single nucleotide variant.
Coding change: c.669C>T on transcript NM_001009921.3 (MANE Select); coding-DNA position 669, C replaced by T.
Protein change: p.Ile223=; no amino-acid change (isoleucine 223 retained).
Molecular consequence: synonymous variant. On other transcripts: 5 prime UTR variant (2), non-coding transcript variant (1).
Genome position (GRCh38, 1-based): chr3:184,849,938, C>T. VCF-style: chr3-184849938-C-T. GRCh37 (hg19) VCF-style: chr3-184567726-C-T.
Other names: c.669C>T, p.Ile223= (NM_001349292.2, NM_001349293.2, NM_001349294.2 and 1 more transcripts); c.630C>T, p.Ile210= (NM_001349296.2); c.-1204C>T (NM_001349297.2); c.-1311C>T (NM_001349298.2); c.663C>T, p.Ile221= (NM_015303.4).
Identifiers: ClinVar variation 4996321 (VCV004996321.1).